The following is an entry in ClinVar:

NM_004360.5(CDH1):c.706T>C (p.Ser236Pro)

Gene: CDH1 (cadherin 1; plus strand). Cytogenetic location: 16q22.1.
Variant type: single nucleotide variant.
Coding change: c.706T>C on transcript NM_004360.5 (MANE Select); coding-DNA position 706, T replaced by C.
Protein change: p.Ser236Pro; replaces serine 236 with proline.
Molecular consequence: missense variant. On other transcripts: 5 prime UTR variant (2).
Genome position (GRCh38, 1-based): chr16:68,810,215, T>C. VCF-style: chr16-68810215-T-C. GRCh37 (hg19) VCF-style: chr16-68844118-T-C.
Other names: c.706T>C, p.Ser236Pro (NM_001317184.2); c.-910T>C (NM_001317185.2); c.-1114T>C (NM_001317186.2); short protein forms S236P.
Identifiers: ClinVar variation 1502764 (VCV001502764.8), dbSNP rs2152131015, ClinGen allele CA396458417.

ClinVar aggregate classification (germline): Uncertain significance (1 of 4 stars; one submission).

Conditions:
Hereditary diffuse gastric adenocarcinoma (HDGC). Also called: DIFFUSE GASTRIC AND LOBULAR BREAST CANCER SYNDROME. Identifiers: Orphanet 26106, MedGen C1708349, MONDO:0007648, OMIM 137215.

Submission:

Labcorp Genetics (formerly Invitae), Labcorp
Classification: Uncertain significance for Hereditary diffuse gastric adenocarcinoma. Last evaluated: 2021-02-19. Review status: criteria provided, single submitter. Criteria: Invitae Variant Classification Sherloc (09022015). Collection method: clinical testing. Allele origin: germline.
Comment: In summary, the available evidence is currently insufficient to determine the role of this variant in disease. Therefore, it has been classified as a Variant of Uncertain Significance. Algorithms developed to predict the effect of missense changes on protein structure and function are either unavailable or do not agree on the potential impact of this missense change (SIFT: "Tolerated"; PolyPhen-2: "Probably Damaging"; Align-GVGD: "Class C0"). This variant has not been reported in the literature in individuals with CDH1-related conditions. This variant is not present in population databases (ExAC no frequency). This sequence change replaces serine with proline at codon 236 of the CDH1 protein (p.Ser236Pro). The serine residue is moderately conserved and there is a moderate physicochemical difference between serine and proline.